The following is an entry in ClinVar:

NM_004655.4(AXIN2):c.779G>T (p.Ser260Ile)

Gene: AXIN2 (axin 2; minus strand). Cytogenetic location: 17q24.1.
Variant type: single nucleotide variant.
Coding change: c.779G>T on transcript NM_004655.4 (MANE Select); coding-DNA position 779, G replaced by T.
Protein change: p.Ser260Ile; replaces serine 260 with isoleucine.
Molecular consequence: missense variant.
Genome position (GRCh38, 1-based): chr17:65,557,842, C>A on the plus strand (G>T on the coding strand, the complement: AXIN2 is on the minus strand). VCF-style: chr17-65557842-C-A. GRCh37 (hg19) VCF-style: chr17-63553960-C-A.
Other names: c.779G>T, p.Ser260Ile (NM_001363813.1); c.779G>T (NM_004655.3); short protein forms S260I.
Identifiers: ClinVar variation 1052641 (VCV001052641.10), dbSNP rs2044292356, ClinGen allele CA400680292.

ClinVar aggregate classification (germline): Uncertain significance. Review status: criteria provided, multiple submitters, no conflicts (2 of 4 stars). 2 submissions from 2 submitters: Uncertain significance (2). Last evaluated 2023-11-10.

Conditions:
Hereditary cancer-predisposing syndrome. Also called: Tumor predisposition; Hereditary neoplastic syndrome; Hereditary Cancer Syndrome; Neoplastic Syndromes, Hereditary. Identifiers: Orphanet 140162, MedGen C0027672, MeSH D009386, MONDO:0015356.
Oligodontia-cancer predisposition syndrome. Also called: TOOTH AGENESIS-COLORECTAL CANCER SYNDROME. Identifiers: Orphanet 300576, MedGen C1837750, MONDO:0012075, OMIM 608615. Disease mechanism: loss of function.

gnomAD v4.1: 1 of 1,614,224 alleles (0.000062%); highest among the groups gnomAD compares: Non-Finnish European, 0.000085%; no homozygotes.

Submissions (2):

Labcorp Genetics (formerly Invitae), Labcorp
Classification: Uncertain significance for Oligodontia-cancer predisposition syndrome. Last evaluated: 2023-11-10. Review status: criteria provided, single submitter. Criteria: Invitae Variant Classification Sherloc (09022015). Collection method: clinical testing. Allele origin: germline.
Comment: This sequence change replaces serine, which is neutral and polar, with isoleucine, which is neutral and non-polar, at codon 260 of the AXIN2 protein (p.Ser260Ile). This variant is not present in population databases (gnomAD no frequency). This variant has not been reported in the literature in individuals affected with AXIN2-related conditions. ClinVar contains an entry for this variant (Variation ID: 1052641). Advanced modeling of protein sequence and biophysical properties (such as structural, functional, and spatial information, amino acid conservation, physicochemical variation, residue mobility, and thermodynamic stability) performed at Invitae indicates that this missense variant is not expected to disrupt AXIN2 protein function with a negative predictive value of 80%. In summary, the available evidence is currently insufficient to determine the role of this variant in disease. Therefore, it has been classified as a Variant of Uncertain Significance.

Ambry Genetics
Classification: Uncertain significance for Hereditary cancer-predisposing syndrome. Last evaluated: 2023-01-22. Review status: criteria provided, single submitter. Criteria: Ambry Variant Classification Scheme 2023. Collection method: clinical testing. Allele origin: germline.
Comment: The p.S260I variant (also known as c.779G>T), located in coding exon 1 of the AXIN2 gene, results from a G to T substitution at nucleotide position 779. The serine at codon 260 is replaced by isoleucine, an amino acid with dissimilar properties. This amino acid position is conserved. In addition, this alteration is predicted to be tolerated by in silico analysis. Since supporting evidence is limited at this time, the clinical significance of this alteration remains unclear.